The following is an entry in ClinVar:

ClinVar aggregate classification (germline): Conflicting classifications of pathogenicity. Review status: criteria provided, conflicting classifications (1 of 4 stars). 2 submissions from 2 submitters: Pathogenic (1); Uncertain significance (1). Last evaluated 2025-03-05.

Allele frequency attached by ClinVar (database versions not stated): gnomAD exomes below 0.00001; gnomAD 0.00005; TOPMed 0.00007.
gnomAD v4.1: 10 of 1,613,940 alleles (0.00062%); highest among the groups gnomAD compares: African/African-American, 0.013%; no homozygotes.

Submissions (2):

Labcorp Genetics (formerly Invitae), Labcorp
Classification: Pathogenic. Last evaluated: 2025-03-05. Review status: criteria provided, single submitter. Criteria: Invitae Variant Classification Sherloc (09022015). Collection method: clinical testing. Allele origin: germline.
Comment: This sequence change creates a premature translational stop signal (p.Trp540*) in the ADAMTSL4 gene. It is expected to result in an absent or disrupted protein product. Loss-of-function variants in ADAMTSL4 are known to be pathogenic (PMID: 20564469, 28642162). This variant is present in population databases (no rsID available, gnomAD 0.02%). This variant has not been reported in the literature in individuals affected with ADAMTSL4-related conditions. ClinVar contains an entry for this variant (Variation ID: 1723639). For these reasons, this variant has been classified as Pathogenic.

GeneDx
Classification: Uncertain significance. Last evaluated: 2022-05-09. Review status: criteria provided, single submitter. Criteria: GeneDx Variant Classification Process June 2021. Collection method: clinical testing. Allele origin: germline. Affected: yes.
Comment: Nonsense variant predicted to result in protein truncation or nonsense mediated decay in a gene for which loss of function is a known mechanism of disease; Has not been previously published as pathogenic or benign to our knowledge

Literature cited by the submitters: PubMed 20564469 (cited by Labcorp Genetics (formerly Invitae), Labcorp); PubMed 28642162 (cited by Labcorp Genetics (formerly Invitae), Labcorp).

NM_019032.6(ADAMTSL4):c.1620G>A (p.Trp540Ter)

Genes: ADAMTSL4 (ADAMTS like 4; plus strand), ADAMTSL4-AS2 (ADAMTSL4 antisense RNA 2; minus strand). Cytogenetic location: 1q21.2.
Variant type: single nucleotide variant.
Coding change: c.1620G>A on transcript NM_019032.6 (MANE Select); coding-DNA position 1620, G replaced by A.
Protein change: p.Trp540Ter; replaces tryptophan 540 with a stop codon.
Molecular consequence: nonsense.
Genome position (GRCh38, 1-based): chr1:150,556,664, G>A. VCF-style: chr1-150556664-G-A. GRCh37 (hg19) VCF-style: chr1-150529140-G-A.
Other names: c.1689G>A, p.Trp563Ter (NM_001288607.2, NM_001288608.2); c.1620G>A, p.Trp540Ter (NM_001378596.1, NM_025008.5); short protein forms W540*, W563*.
Identifiers: ClinVar variation 1723639 (VCV001723639.5), dbSNP rs960091241, ClinGen allele CA30069705.